The following is an entry in ClinVar:

NM_000138.5(FBN1):c.5679T>G (p.Asn1893Lys)

Gene: FBN1 (fibrillin 1; minus strand). Cytogenetic location: 15q21.1.
Variant type: single nucleotide variant.
Coding change: c.5679T>G on transcript NM_000138.5 (MANE Select); coding-DNA position 5679, T replaced by G.
Protein change: p.Asn1893Lys; replaces asparagine 1893 with lysine.
Molecular consequence: missense variant.
Genome position (GRCh38, 1-based): chr15:48,446,815, A>C on the plus strand (T>G on the coding strand, the complement: FBN1 is on the minus strand). VCF-style: chr15-48446815-A-C. GRCh37 (hg19) VCF-style: chr15-48739012-A-C.
Other names: short protein forms N1893K.
Identifiers: ClinVar variation 659198 (VCV000659198.8), dbSNP rs1597533706, ClinGen allele CA392341442.
Genomic context (GRCh38, chr15:48,446,815, plus strand): 5'-GTTGAAGGAACCAATTGTGTTCCGGCAAGTTCCATTCCCACAGGCATCTCTTTCACATTC[A>C]TTTATGTCTAGTAGGAAGAAAGGCCATAAAGAAACATAATTATAAGTAGAAAAAGTGGTT-3'
Protein context (NP_000129.3, residues 1883-1903): NDDQTMCLDI[Asn1893Lys]ECERDACGNG

ClinVar aggregate classification (germline): Likely pathogenic (1 of 4 stars; one submission).

Conditions:
Familial thoracic aortic aneurysm and aortic dissection (TAAD). Also called: Thoracic aortic aneurysms and dissections. Identifiers: Orphanet 91387, MedGen C4707243, MONDO:0019625.
Marfan syndrome (MFS). Also called: FBN1-Related Marfan Syndrome; Marfan syndrome type 1; Marfan's syndrome; Marfan syndrome, classic; MARFAN SYNDROME, TYPE I. Identifiers: Orphanet 284963, Orphanet 558, MedGen C0024796, MONDO:0007947, OMIM 154700.

Submission:

Labcorp Genetics (formerly Invitae), Labcorp
Classification: Likely pathogenic for Marfan syndrome; Familial thoracic aortic aneurysm and aortic dissection. Last evaluated: 2022-11-29. Review status: criteria provided, single submitter. Criteria: Invitae Variant Classification Sherloc (09022015). Collection method: clinical testing. Allele origin: germline.
Comment: In summary, the currently available evidence indicates that the variant is pathogenic, but additional data are needed to prove that conclusively. Therefore, this variant has been classified as Likely Pathogenic. This variant disrupts the p.Asn1893 amino acid residue in FBN1. Other variant(s) that disrupt this residue have been observed in individuals with FBN1-related conditions (PMID: 31730815), which suggests that this may be a clinically significant amino acid residue. Advanced modeling of protein sequence and biophysical properties (such as structural, functional, and spatial information, amino acid conservation, physicochemical variation, residue mobility, and thermodynamic stability) performed at Invitae indicates that this missense variant is expected to disrupt FBN1 protein function. ClinVar contains an entry for this variant (Variation ID: 659198). This missense change has been observed in individuals with Marfan syndrome (PMID: 9338581; Invitae). This variant is not present in population databases (gnomAD no frequency). This sequence change replaces asparagine, which is neutral and polar, with lysine, which is basic and polar, at codon 1893 of the FBN1 protein (p.Asn1893Lys).

Literature cited by the submitters: PubMed 31730815; PubMed 9338581.